The following is an entry in ClinVar:

NM_000049.4(ASPA):c.427A>G (p.Ile143Val)

Genes: ASPA (aspartoacylase; plus strand), SPATA22 (spermatogenesis associated 22; minus strand). Cytogenetic location: 17p13.2.
Variant type: single nucleotide variant.
Coding change: c.427A>G on transcript NM_000049.4 (MANE Select); coding-DNA position 427, A replaced by G.
Protein change: p.Ile143Val; replaces isoleucine 143 with valine.
Molecular consequence: missense variant. On other transcripts: intron variant (2).
Genome position (GRCh38, 1-based): chr17:3,481,793, A>G. VCF-style: chr17-3481793-A-G. GRCh37 (hg19) VCF-style: chr17-3385087-A-G.
Other names: c.427A>G, p.Ile143Val (NM_001128085.1); c.-73-12395T>C (NM_001321336.2, NM_001321337.2); short protein forms I143V.
Identifiers: ClinVar variation 550346 (VCV000550346.19), dbSNP rs199565861, ClinGen allele CA8288915.

ClinVar aggregate classification (germline): Conflicting classifications of pathogenicity. Review status: criteria provided, conflicting classifications (1 of 4 stars). 7 submissions from 7 submitters: Uncertain significance (5); Likely benign (1). 1 of the submissions does not count toward it. Last evaluated 2026-01-28.

Conditions:
Spongy degeneration of central nervous system. Also called: Canavan disease; Von Bogaert-Bertrand disease; ACY2 DEFICIENCY; AMINOACYLASE 2 DEFICIENCY; ASP DEFICIENCY; ASPA DEFICIENCY. Identifiers: Orphanet 141, MedGen C0206307, MONDO:0010079, OMIM 271900.

Allele frequency attached by ClinVar (database versions not stated): gnomAD 0.00014 and 0.00016; ESP Exome Variant Server 0.00008; 1000 Genomes Project 30x 0.00016; TOPMed 0.00018; 1000 Genomes Project 0.00020.
gnomAD v4.1: 266 of 1,596,010 alleles (0.017%); highest among the groups gnomAD compares: Admixed American, 0.032%; no homozygotes.

Submissions (7):

Labcorp Genetics (formerly Invitae), Labcorp
Classification: Likely benign for Spongy degeneration of central nervous system. Last evaluated: 2026-01-28. Review status: criteria provided, single submitter. Criteria: Invitae Variant Classification Sherloc (09022015). Collection method: clinical testing. Allele origin: germline.

Greenwood Genetic Center Diagnostic Laboratories, Greenwood Genetic Center
Classification: Uncertain significance. Last evaluated: 2025-05-01. Review status: criteria provided, single submitter. Criteria: ACMG Guidelines, 2015. Collection method: clinical testing. Allele origin: germline. Affected: yes.
Comment: PM5_Supporting, PP3

Blueprint Genetics
Classification: Uncertain significance. Last evaluated: 2024-11-12. Review status: criteria provided, single submitter. Criteria: ACMG Guidelines, 2015. Collection method: clinical testing. Allele origin: germline.

Genomic Medicine Center of Excellence, King Faisal Specialist Hospital and Research Centre
Classification: Uncertain significance for Spongy degeneration of central nervous system. Last evaluated: 2024-03-25. Review status: criteria provided, single submitter. Criteria: ACMG Guidelines, 2015. Collection method: clinical testing. Allele origin: germline.

Women's Health and Genetics/Laboratory Corporation of America, LabCorp
Classification: Uncertain significance. Last evaluated: 2022-02-24. Review status: criteria provided, single submitter. Criteria: LabCorp Variant Classification Summary - May 2015. Collection method: clinical testing. Allele origin: germline.
Comment: Variant summary: ASPA c.427A>G (p.Ile143Val) results in a conservative amino acid change in the encoded protein sequence. Four of five in-silico tools predict a damaging effect of the variant on protein function. The variant allele was found at a frequency of 0.00026 in 236296 control chromosomes (gmomAD). This frequency is not higher than expected for a pathogenic variant in ASPA causing Canavan Disease (0.00026 vs 0.0079), allowing no conclusion about variant significance. c.427A>G has been reported in the literature in individuals affected with Canavan Disease (Zaki_2017). This report does not provide unequivocal conclusions about association of the variant with Canavan Disease. To our knowledge, no experimental evidence demonstrating an impact on protein function has been reported. Three clinical diagnostic laboratories have submitted clinical-significance assessments for this variant to ClinVar after 2014 and classified the variant as likely benign (n=1) and as VUS (n=2). Based on the evidence outlined above, the variant was classified as uncertain significance.

Genome-Nilou Lab
Classification: Uncertain significance for Spongy degeneration of central nervous system. Last evaluated: 2021-07-22. Review status: criteria provided, single submitter. Criteria: ACMG Guidelines, 2015. Collection method: clinical testing. Allele origin: germline. Affected: no.

Counsyl
Classification: Uncertain significance for Spongy degeneration of central nervous system. Last evaluated: 2017-01-11. Review status: no assertion criteria provided. Collection method: clinical testing. Allele origin: unknown. Not counted in ClinVar's aggregate classification.

Literature cited by the submitters: PubMed 27531131 (cited by Women's Health and Genetics/Laboratory Corporation of America, LabCorp and Counsyl).